The following is an entry in ClinVar:

NM_001620.3(AHNAK):c.15977C>T (p.Ala5326Val)

Gene: AHNAK (AHNAK nucleoprotein; minus strand). Cytogenetic location: 11q12.3.
Variant type: single nucleotide variant.
Coding change: c.15977C>T on transcript NM_001620.3 (MANE Select); coding-DNA position 15977, C replaced by T.
Protein change: p.Ala5326Val; replaces alanine 5326 with valine.
Molecular consequence: missense variant. On other transcripts: intron variant (1).
Genome position (GRCh38, 1-based): chr11:62,518,440, G>A on the plus strand (C>T on the coding strand, the complement: AHNAK is on the minus strand). VCF-style: chr11-62518440-G-A. GRCh37 (hg19) VCF-style: chr11-62285912-G-A.
Other names: c.15977C>T, p.Ala5326Val (NM_001346445.2, NM_001346446.2); c.342+16563C>T (NM_024060.4); short protein forms A5326V.
Identifiers: ClinVar variation 2359663 (VCV002359663.25), dbSNP rs148636883, ClinGen allele CA6043945.
Genomic context (GRCh38, chr11:62,518,440, plus strand): 5'-TTCACACCGTCTCCTCCCACCTGCATTTTGCCACCGACACCACTGAGGTTGAGCCCTGGA[G>A]CATGCACCTTCATGCTGGGAACAGATGCATCCAGGTCTCCCTTCAAACTTGGTCCTTTCA-3'
Protein context (NP_001611.1, residues 5316-5336): DASVPSMKVH[Ala5326Val]PGLNLSGVGG

ClinVar aggregate classification (germline): Conflicting classifications of pathogenicity. Review status: criteria provided, conflicting classifications (1 of 4 stars). 2 submissions from 2 submitters: Uncertain significance (1); Likely benign (1). Last evaluated 2024-08-26.

Allele frequency attached by ClinVar (database versions not stated): gnomAD exomes 0.00019; ExAC 0.00020; TOPMed 0.00022; ESP Exome Variant Server 0.00023; gnomAD 0.00030.
gnomAD v4.1: 315 of 1,613,936 alleles (0.02%); highest among the groups gnomAD compares: Admixed American, 0.065%; 1 homozygote.

Submissions (2):

Ambry Genetics
Classification: Uncertain significance. Last evaluated: 2024-08-26. Review status: criteria provided, single submitter. Criteria: Ambry Variant Classification Scheme 2023. Collection method: clinical testing. Allele origin: germline.

CeGaT Center for Human Genetics Tuebingen
Classification: Likely benign. Last evaluated: 2023-12-01. Review status: criteria provided, single submitter. Criteria: CeGaT Center For Human Genetics Tuebingen Variant Classification Criteria Version 2. Collection method: clinical testing. Allele origin: germline. Affected: yes. Observed: 1 variant allele.
Comment: AHNAK: BP4, BS2